The following is an entry in ClinVar:

ClinVar aggregate classification (germline): Benign/Likely benign. Review status: criteria provided, multiple submitters, no conflicts (2 of 4 stars). 3 submissions from 3 submitters: Benign (1); Likely benign (1). 1 of the submissions does not count toward it. Last evaluated 2025-12-19.

Conditions:
LAMA1-related disorder. Also called: LAMA1-related disorders; LAMA1-related condition.

Allele frequency attached by ClinVar (database versions not stated): gnomAD exomes 0.00013 and 0.00035; ExAC 0.00043; gnomAD 0.00140 and 0.00150; ESP Exome Variant Server 0.00146; TOPMed 0.00155; 1000 Genomes Project 0.00220; 1000 Genomes Project 30x 0.00234.

Submissions (3):

Labcorp Genetics (formerly Invitae), Labcorp
Classification: Benign. Last evaluated: 2025-12-19. Review status: criteria provided, single submitter. Criteria: Invitae Variant Classification Sherloc (09022015). Collection method: clinical testing. Allele origin: germline.

Blueprint Genetics
Classification: Likely benign. Last evaluated: 2023-12-13. Review status: criteria provided, single submitter. Criteria: ACMG Guidelines, 2015. Collection method: clinical testing. Allele origin: germline.

PreventionGenetics, part of Exact Sciences
Classification: Likely benign for LAMA1-related condition. Last evaluated: 2019-08-07. Review status: no assertion criteria provided. Collection method: clinical testing. Allele origin: germline. Not counted in ClinVar's aggregate classification.
Comment: This variant is classified as likely benign based on ACMG/AMP sequence variant interpretation guidelines (Richards et al. 2015 PMID: 25741868, with internal and published modifications).

NM_005559.4(LAMA1):c.4692G>A (p.Leu1564=)

Gene: LAMA1 (laminin subunit alpha 1; minus strand). Cytogenetic location: 18p11.31.
Variant type: single nucleotide variant.
Coding change: c.4692G>A on transcript NM_005559.4 (MANE Select); coding-DNA position 4692, G replaced by A.
Protein change: p.Leu1564=; no amino-acid change (leucine 1564 retained).
Molecular consequence: synonymous variant.
Genome position (GRCh38, 1-based): chr18:6,997,856, C>T on the plus strand (G>A on the coding strand, the complement: LAMA1 is on the minus strand). VCF-style: chr18-6997856-C-T. GRCh37 (hg19) VCF-style: chr18-6997855-C-T.
Other names: c.4692G>A (NM_005559.3).
Identifiers: ClinVar variation 1599245 (VCV001599245.11), dbSNP rs147374927, ClinGen allele CA8881828.